The following is an entry in ClinVar:

NM_002972.4(SBF1):c.1792C>T (p.Arg598Cys)

Gene: SBF1 (SET binding factor 1; minus strand). Cytogenetic location: 22q13.33.
Variant type: single nucleotide variant.
Coding change: c.1792C>T on transcript NM_002972.4 (MANE Select); coding-DNA position 1792, C replaced by T.
Protein change: p.Arg598Cys; replaces arginine 598 with cysteine.
Molecular consequence: missense variant.
Genome position (GRCh38, 1-based): chr22:50,463,390, G>A on the plus strand (C>T on the coding strand, the complement: SBF1 is on the minus strand). VCF-style: chr22-50463390-G-A. GRCh37 (hg19) VCF-style: chr22-50901819-G-A.
Other names: c.1795C>T, p.Arg599Cys (NM_001365819.1); short protein forms R599C, R598C.
Identifiers: ClinVar variation 1485735 (VCV001485735.3), dbSNP rs750270208, ClinGen allele CA10317519.

ClinVar aggregate classification (germline): Uncertain significance (1 of 4 stars; one submission).

Allele frequency attached by ClinVar (database versions not stated): TOPMed 0.00002; gnomAD exomes 0.00004 and 0.00005; ExAC 0.00010.
gnomAD v4.1: 54 of 1,594,122 alleles (0.0034%); highest among the groups gnomAD compares: East Asian, 0.011%; no homozygotes.

Submission:

Labcorp Genetics (formerly Invitae), Labcorp
Classification: Uncertain significance. Last evaluated: 2022-08-21. Review status: criteria provided, single submitter. Criteria: Invitae Variant Classification Sherloc (09022015). Collection method: clinical testing. Allele origin: germline.
Comment: This sequence change replaces arginine, which is basic and polar, with cysteine, which is neutral and slightly polar, at codon 598 of the SBF1 protein (p.Arg598Cys). This variant is present in population databases (rs750270208, gnomAD 0.04%). This variant has not been reported in the literature in individuals affected with SBF1-related conditions. ClinVar contains an entry for this variant (Variation ID: 1485735). Algorithms developed to predict the effect of missense changes on protein structure and function are either unavailable or do not agree on the potential impact of this missense change (SIFT: "Deleterious"; PolyPhen-2: "Probably Damaging"; Align-GVGD: "Class C0"). In summary, the available evidence is currently insufficient to determine the role of this variant in disease. Therefore, it has been classified as a Variant of Uncertain Significance.